The following is an entry in ClinVar:

NM_015272.5(RPGRIP1L):c.3446T>A (p.Ile1149Asn)

Gene: RPGRIP1L (RPGRIP1 like; minus strand). Cytogenetic location: 16q12.2.
Variant type: single nucleotide variant.
Coding change: c.3446T>A on transcript NM_015272.5 (MANE Select); coding-DNA position 3446, T replaced by A.
Protein change: p.Ile1149Asn; replaces isoleucine 1149 with asparagine.
Molecular consequence: missense variant.
Genome position (GRCh38, 1-based): chr16:53,619,195, A>T on the plus strand (T>A on the coding strand, the complement: RPGRIP1L is on the minus strand). VCF-style: chr16-53619195-A-T. GRCh37 (hg19) VCF-style: chr16-53653107-A-T.
Other names: c.3206T>A, p.Ile1069Asn (NM_001127897.4); c.3308T>A, p.Ile1103Asn (NM_001308334.3); c.3344T>A, p.Ile1115Asn (NM_001330538.2); c.3446T>A (NM_015272.4); short protein forms I1069N, I1149N, I1115N, I1103N.
Identifiers: ClinVar variation 421451 (VCV000421451.8), dbSNP rs766943204, ClinGen allele CA8057283.

ClinVar aggregate classification (germline): Conflicting classifications of pathogenicity. Review status: criteria provided, conflicting classifications (1 of 4 stars). 5 submissions from 5 submitters: Likely pathogenic (1); Uncertain significance (3). 1 of the submissions does not count toward it. Last evaluated 2024-03-19.

Conditions:
Joubert syndrome 7 (JBTS7). Identifiers: Orphanet 220497, MedGen C1969053, MONDO:0012694, OMIM 611560.
Meckel syndrome, type 5 (MKS5). Identifiers: Orphanet 564, MedGen C1969052, MONDO:0012695, OMIM 611561.
COACH syndrome 3. Identifiers: MedGen C5436841, MONDO:0030862, OMIM 619113.
RPGRIP1L-related disorder. Also called: RPGRIP1L-related disorders; RPGRIP1L-related condition. Identifiers: MedGen CN239416.
Meckel-Gruber syndrome. Also called: Dysencephalia splachnocystica; DYSENCEPHALIA SPLANCHNOCYSTICA; GRUBER SYNDROME. Identifiers: Orphanet 564, MedGen C0265215, MONDO:0018921.
Joubert syndrome. Also called: Familial aplasia of the vermis; JOUBERT-BOLTSHAUSER SYNDROME. Identifiers: Orphanet 475, MedGen C5979921, MONDO:0018772.

Allele frequency attached by ClinVar (database versions not stated): ExAC 0.00002; gnomAD exomes 0.00002; gnomAD 0.00005 and 0.00006; TOPMed 0.00005.
gnomAD v4.1: 42 of 1,613,206 alleles (0.0026%); highest among the groups gnomAD compares: Non-Finnish European, 0.0032%; no homozygotes.

Submissions (5):

Fulgent Genetics
Classification: Uncertain significance for Joubert syndrome 7; Meckel syndrome, type 5; COACH syndrome 3. Last evaluated: 2024-03-19. Review status: criteria provided, single submitter. Criteria: ACMG Guidelines, 2015. Collection method: clinical testing. Allele origin: germline.

Blueprint Genetics
Classification: Uncertain significance. Last evaluated: 2023-11-01. Review status: criteria provided, single submitter. Criteria: ACMG Guidelines, 2015. Collection method: clinical testing. Allele origin: germline.

GeneDx
Classification: Likely pathogenic. Last evaluated: 2023-06-20. Review status: criteria provided, single submitter. Criteria: GeneDx Variant Classification Process June 2021. Collection method: clinical testing. Allele origin: germline. Affected: yes.
Comment: Not observed at significant frequency in large population cohorts (gnomAD); In silico analysis supports that this missense variant has a deleterious effect on protein structure/function; Has not been previously published as pathogenic or benign to our knowledge

Labcorp Genetics (formerly Invitae), Labcorp
Classification: Uncertain significance for Joubert syndrome; Meckel-Gruber syndrome. Last evaluated: 2021-08-28. Review status: criteria provided, single submitter. Criteria: Invitae Variant Classification Sherloc (09022015). Collection method: clinical testing. Allele origin: germline.
Comment: This sequence change replaces isoleucine with asparagine at codon 1149 of the RPGRIP1L protein (p.Ile1149Asn). The isoleucine residue is highly conserved and there is a large physicochemical difference between isoleucine and asparagine. This variant is present in population databases (rs766943204, ExAC 0.006%). This variant has not been reported in the literature in individuals affected with RPGRIP1L-related conditions. ClinVar contains an entry for this variant (Variation ID: 421451). Algorithms developed to predict the effect of missense changes on protein structure and function (SIFT, PolyPhen-2, Align-GVGD) all suggest that this variant is likely to be disruptive. In summary, the available evidence is currently insufficient to determine the role of this variant in disease. Therefore, it has been classified as a Variant of Uncertain Significance.

PreventionGenetics, part of Exact Sciences
Classification: Uncertain significance for RPGRIP1L-related condition. Last evaluated: 2024-05-14. Review status: no assertion criteria provided. Collection method: clinical testing. Allele origin: germline. Not counted in ClinVar's aggregate classification.
Comment: The RPGRIP1L c.3446T>A variant is predicted to result in the amino acid substitution p.Ile1149Asn. To our knowledge, this variant has not been reported in the literature. This variant is reported in 0.0044% of alleles in individuals of European (Non-Finnish) descent in gnomAD. At this time, the clinical significance of this variant is uncertain due to the absence of conclusive functional and genetic evidence.